The following is an entry in ClinVar:

NM_000065.5(C6):c.1387G>C (p.Gly463Arg)

Gene: C6 (complement C6; minus strand). Cytogenetic location: 5p13.1.
Variant type: single nucleotide variant.
Coding change: c.1387G>C on transcript NM_000065.5 (MANE Select); coding-DNA position 1387, G replaced by C.
Protein change: p.Gly463Arg; replaces glycine 463 with arginine.
Molecular consequence: missense variant.
Genome position (GRCh38, 1-based): chr5:41,161,764, C>G on the plus strand (G>C on the coding strand, the complement: C6 is on the minus strand). VCF-style: chr5-41161764-C-G. GRCh37 (hg19) VCF-style: chr5-41161866-C-G.
Other names: c.1387G>C, p.Gly463Arg (NM_001115131.4); short protein forms G463R.
Identifiers: ClinVar variation 727675 (VCV000727675.13), dbSNP rs148104911, ClinGen allele CA3252478.

ClinVar aggregate classification (germline): Conflicting classifications of pathogenicity. Review status: criteria provided, conflicting classifications (1 of 4 stars). 4 submissions from 4 submitters: Uncertain significance (1); Likely benign (2). 1 of the submissions does not count toward it. Last evaluated 2026-01-22.

Conditions:
C6-related disorder. Also called: C6-related condition.

Allele frequency attached by ClinVar (database versions not stated): gnomAD 0.00085 and 0.00089; TOPMed 0.00085; ESP Exome Variant Server 0.00100; 1000 Genomes Project 30x 0.00156; 1000 Genomes Project 0.00160.
gnomAD v4.1: 252 of 1,613,684 alleles (0.016%); highest among the groups gnomAD compares: African/African-American, 0.27%; no homozygotes.

Submissions (4):

Women's Health and Genetics/Laboratory Corporation of America, LabCorp
Classification: Uncertain significance. Last evaluated: 2026-01-22. Review status: criteria provided, single submitter. Criteria: LabCorp Variant Classification Summary - May 2015. Collection method: clinical testing. Allele origin: germline.

Labcorp Genetics (formerly Invitae), Labcorp
Classification: Likely benign. Last evaluated: 2025-12-03. Review status: criteria provided, single submitter. Criteria: Invitae Variant Classification Sherloc (09022015). Collection method: clinical testing. Allele origin: germline.

Breakthrough Genomics
Classification: Likely benign. Review status: criteria provided, single submitter. Criteria: ACMG Guidelines, 2015. Collection method: not provided. Allele origin: germline. Inheritance: Autosomal recessive inheritance. Affected: yes.

PreventionGenetics, part of Exact Sciences
Classification: Likely benign for C6-related condition. Last evaluated: 2023-03-24. Review status: no assertion criteria provided. Collection method: clinical testing. Allele origin: germline. Not counted in ClinVar's aggregate classification.
Comment: This variant is classified as likely benign based on ACMG/AMP sequence variant interpretation guidelines (Richards et al. 2015 PMID: 25741868, with internal and published modifications).